The following is an entry in ClinVar:

NM_012463.3(ATP6V0A2):c.-407A>T

Gene: ATP6V0A2 (ATPase H+ transporting V0 subunit a2; plus strand). Cytogenetic location: 12q24.31.
Variant type: single nucleotide variant.
Coding change: c.-407A>T on transcript NM_012463.3; 407 bases upstream of the start codon, A replaced by T.
Genome position (GRCh38, 1-based): chr12:123,712,159, A>T. VCF-style: chr12-123712159-A-T. GRCh37 (hg19) VCF-style: chr12-124196706-A-T.
Identifiers: ClinVar variation 669664 (VCV000669664.3), dbSNP rs111323913, ClinGen allele CA245174810.

ClinVar aggregate classification (germline): Benign (1 of 4 stars; one submission).

Allele frequency attached by ClinVar (database versions not stated): 1000 Genomes Project 0.05391; 1000 Genomes Project 30x 0.05512; gnomAD 0.04400; TOPMed 0.05553.

Submission:

GeneDx
Classification: Benign. Last evaluated: 2018-06-14. Review status: criteria provided, single submitter. Criteria: GeneDx Variant Classification (06012015). Collection method: clinical testing. Allele origin: germline. Affected: yes.
Comment: This variant is considered likely benign or benign based on one or more of the following criteria: it is a conservative change, it occurs at a poorly conserved position in the protein, it is predicted to be benign by multiple in silico algorithms, and/or has population frequency not consistent with disease.